The following is an entry in ClinVar:

ClinVar aggregate classification (germline): Pathogenic. Review status: reviewed by expert panel (3 of 4 stars). 2 submissions from 2 submitters: Pathogenic (1). 1 of the submissions does not count toward it. Last evaluated 2025-08-01.

Conditions:
RPGR-related retinopathy. Also called: RPGR retinopathy. Identifiers: MedGen CN305589, MONDO:0100437.
Retinal dystrophy. Also called: Inherited retinal dystrophy. Identifiers: Orphanet 71862, MedGen C0854723, MeSH D058499, MONDO:0019118, HP:0000556.

Submissions (2):

ClinGen X-linked Inherited Retinal Disease Variant Curation Expert Panel, ClinGen
Classification: Pathogenic for RPGR-related retinopathy. Last evaluated: 2025-08-01. Review status: reviewed by expert panel. Criteria: ClinGen X LinkedIRD ACMG Specifications RPGR V1.0.0. Collection method: curation. Allele origin: germline. Inheritance: X-linked inheritance.
Comment: NM_001034853.2(RPGR):c.1077T>A (p.Cys359Ter) is a nonsense variant that substitutes a premature stop codon for amino acid 359 within exon 10 of 15 and is predicted to trigger nonsense-mediated decay (PVS1). This variant is absent from gnomAD v4.1.0 (PM2_Supporting). At least one proband harboring this variant exhibits a phenotype including a family history consistent with X-linked inheritance (2 pts) with a mildly affected female relative (1 pt), childhood onset (1 pt), high myopia (1 pt), night blindness (0.5 pts), reduced visual acuity (0.5 pts), and genotyping by next-generation sequencing panel that did not identify an alternative basis for retinal disease (2 pts) which together are highly specific for RPGR-related retinopathy (8 points, PMID: 30917587, PP4_Moderate). In summary, this variant is classified as pathogenic for RPGR-related retinopathy based on the ClinGen X-linked Inherited Retinal Disease Expert Panel Specifications to the ACMG/AMP Variant Interpretation Guidelines for RPGR Version 1.0.0; PVS1, PM2_supporting, and PP4_moderate. (date of approval 05/16/2025).

Dept Of Ophthalmology, Nagoya University
Classification: Likely pathogenic for Retinal dystrophy. Last evaluated: 2023-10-01. Review status: criteria provided, single submitter. Criteria: Submitter's publication. Collection method: research. Allele origin: germline. Affected: yes. Not counted in ClinVar's aggregate classification.

NM_001034853.2(RPGR):c.1077T>A (p.Cys359Ter)

Gene: RPGR (retinitis pigmentosa GTPase regulator; minus strand). Cytogenetic location: Xp11.4.
Variant type: single nucleotide variant.
Coding change: c.1077T>A on transcript NM_001034853.2 (MANE Select); coding-DNA position 1077, T replaced by A.
Protein change: p.Cys359Ter; replaces cysteine 359 with a stop codon.
Molecular consequence: nonsense. On other transcripts: non-coding transcript variant (6), intron variant (2).
Genome position (GRCh38, 1-based): chrX:38,299,124, A>T on the plus strand (T>A on the coding strand, the complement: RPGR is on the minus strand). VCF-style: chrX-38299124-A-T. GRCh37 (hg19) VCF-style: chrX-38158377-A-T.
Other names: c.1077T>A, p.Cys359Ter (NM_000328.3, NM_001367247.1); c.1074T>A, p.Cys358Ter (NM_001367245.1, NM_001367249.1, NM_001367250.1); c.1107T>A, p.Cys369Ter (NM_001367248.1); c.1060-1672T>A (NM_001367251.1, NM_001367246.1); short protein forms C358*, C359*, C369*.
Identifiers: ClinVar variation 3028600 (VCV003028600.2), dbSNP rs2519829798, ClinGen allele CA412740056.
Genomic context (GRCh38, chrX:38,299,124, plus strand): 5'-TTCATCGAATTCAATTTCTTTTGCCACACCACGATGAGGAGCAGCAAAAACTACCATGTG[A>T]CATCCACCACAAGCAACCTGCAGCATAAATCCACAGAAAAACTCATCAACATTGGCTTCA-3'